The following is an entry in ClinVar:

NM_000057.4(BLM):c.2824-3C>T

Gene: BLM (BLM RecQ like helicase; plus strand). Cytogenetic location: 15q26.1.
Variant type: single nucleotide variant.
Coding change: c.2824-3C>T on transcript NM_000057.4 (MANE Select); 3 bases into the intron before coding-DNA position 2824, C replaced by T.
Molecular consequence: intron variant.
Genome position (GRCh38, 1-based): chr15:90,790,646, C>T. VCF-style: chr15-90790646-C-T. GRCh37 (hg19) VCF-style: chr15-91333876-C-T.
Other names: c.2824-3C>T (NM_001287246.2, NM_001287247.2); c.1699-3C>T (NM_001287248.2).
Identifiers: ClinVar variation 1429134 (VCV001429134.6), dbSNP rs2151184427, ClinGen allele CA2573151438.

ClinVar aggregate classification (germline): Uncertain significance (1 of 4 stars; one submission).

Conditions:
Bloom syndrome (BLM). Also called: Bloom-Torre-Machacek syndrome. Identifiers: Orphanet 125, MedGen C0005859, MONDO:0008876, OMIM 210900.

Submission:

Labcorp Genetics (formerly Invitae), Labcorp
Classification: Uncertain significance for Bloom syndrome. Last evaluated: 2021-07-26. Review status: criteria provided, single submitter. Criteria: Invitae Variant Classification Sherloc (09022015). Collection method: clinical testing. Allele origin: germline.
Comment: In summary, the available evidence is currently insufficient to determine the role of this variant in disease. Therefore, it has been classified as a Variant of Uncertain Significance. Nucleotide substitutions within the consensus splice site are a relatively common cause of aberrant splicing (PMID: 17576681, 9536098). Algorithms developed to predict the effect of sequence changes on RNA splicing suggest that this variant is not likely to affect RNA splicing. This sequence change falls in intron 14 of the BLM gene. It does not directly change the encoded amino acid sequence of the BLM protein. It affects a nucleotide within the consensus splice site of the intron. This variant is not present in population databases (ExAC no frequency). This variant has not been reported in the literature in individuals affected with BLM-related conditions.

Literature cited by the submitters: PubMed 17576681; PubMed 9536098.